The following is an entry in ClinVar:

ClinVar aggregate classification (germline): Uncertain significance. Review status: criteria provided, multiple submitters, no conflicts (2 of 4 stars). 2 submissions from 2 submitters: Uncertain significance (2). Last evaluated 2024-05-29.

gnomAD v4.1: 2 of 1,614,076 alleles (0.00012%); highest among the groups gnomAD compares: Admixed American, 0.0033%; no homozygotes.

Submissions (2):

GeneDx
Classification: Uncertain significance. Last evaluated: 2024-05-29. Review status: criteria provided, single submitter. Criteria: GeneDx Variant Classification Process June 2021. Collection method: clinical testing. Allele origin: germline. Affected: yes.
Comment: Not observed at significant frequency in large population cohorts (gnomAD); Missense variant in a gene in which most reported pathogenic variants are truncating/loss of function; Has not been previously published as pathogenic or benign to our knowledge

AiLife Diagnostics
Classification: Uncertain significance. Last evaluated: 2021-08-24. Review status: criteria provided, single submitter. Criteria: ACMG Guidelines, 2015. Collection method: clinical testing. Allele origin: germline. Affected: yes. Observed: 1 variant allele.

NM_001267550.2(TTN):c.259G>A (p.Gly87Arg)

Gene: TTN (titin; minus strand). Cytogenetic location: 2q31.2.
Variant type: single nucleotide variant.
Coding change: c.259G>A on transcript NM_001267550.2 (MANE Select); coding-DNA position 259, G replaced by A.
Protein change: p.Gly87Arg; replaces glycine 87 with arginine.
Molecular consequence: missense variant.
Genome position (GRCh38, 1-based): chr2:178,802,174, C>T on the plus strand (G>A on the coding strand, the complement: TTN is on the minus strand). VCF-style: chr2-178802174-C-T. GRCh37 (hg19) VCF-style: chr2-179666901-C-T.
Other names: c.259G>A, p.Gly87Arg (NM_001256850.1, NM_003319.4, NM_133378.4 and 3 more transcripts); c.259G>A (NM_001267550.1); short protein forms G87R.
Identifiers: ClinVar variation 1677465 (VCV001677465.2), dbSNP rs756996890, ClinGen allele CA2006381.